The following is an entry in ClinVar:

ClinVar aggregate classification (germline): Likely benign (1 of 4 stars; one submission).

Submission:

CeGaT Center for Human Genetics Tuebingen
Classification: Likely benign. Last evaluated: 2026-08-01. Review status: criteria provided, single submitter. Criteria: CeGaT Center For Human Genetics Tuebingen Variant Classification Criteria Version 2. Collection method: clinical testing. Allele origin: germline. Affected: yes. Observed: 1 variant allele.
Comment: AHNAK2: BP4, BP7

NM_138420.4(AHNAK2):c.2526A>G (p.Ser842=)

Gene: AHNAK2 (AHNAK nucleoprotein 2; minus strand). Cytogenetic location: 14q32.33.
Variant type: single nucleotide variant.
Coding change: c.2526A>G on transcript NM_138420.4 (MANE Select); coding-DNA position 2526, A replaced by G.
Protein change: p.Ser842=; no amino-acid change (serine 842 retained).
Molecular consequence: synonymous variant.
Genome position (GRCh38, 1-based): chr14:104,952,925, T>C on the plus strand (A>G on the coding strand, the complement: AHNAK2 is on the minus strand). VCF-style: chr14-104952925-T-C. GRCh37 (hg19) VCF-style: chr14-105419262-T-C.
Other names: c.2226A>G, p.Ser742= (NM_001350929.2).
Identifiers: ClinVar variation 5039071 (VCV005039071.1).
Genomic context (GRCh38, chr14:104,952,925, plus strand): 5'-CTTCGGCGCAGACACATCCACCGAGTCCTCCATGGACTTGCCTGGGGCCGACACCCCGAA[T>C]GATGGCATCTTGAACTTGGGCATTTTGAACTTGCTGTCTTTGGCAGTCACCTCCTTGTCG-3'
Protein context (NP_612429.2, residues 832-852): KFKMPKFKMP[Ser842=]FGVSAPGKSM